The following is an entry in ClinVar:

ClinVar aggregate classification (germline): Pathogenic (1 of 4 stars; one submission).

Submission:

Labcorp Genetics (formerly Invitae), Labcorp
Classification: Pathogenic. Last evaluated: 2020-12-05. Review status: criteria provided, single submitter. Criteria: Invitae Variant Classification Sherloc (09022015). Collection method: clinical testing. Allele origin: germline.
Comment: For these reasons, this variant has been classified as Pathogenic. This variant has not been reported in the literature in individuals with PROM1-related conditions. This variant is not present in population databases (ExAC no frequency). This sequence change creates a premature translational stop signal (p.Glu428Glyfs*4) in the PROM1 gene. It is expected to result in an absent or disrupted protein product. Loss-of-function variants in PROM1 are known to be pathogenic (PMID: 17605048, 19718270, 24154662).

Literature cited by the submitters: PubMed 17605048; PubMed 19718270; PubMed 24154662.

NM_006017.3(PROM1):c.1282dup (p.Glu428fs)

Gene: PROM1 (prominin 1; minus strand). Cytogenetic location: 4p15.32.
Variant type: Duplication.
Coding change: c.1282dup on transcript NM_006017.3 (MANE Select); coding-DNA position 1282, one base duplicated (G; older notation c.1282dupG).
Protein change: p.Glu428fs; shifts the reading frame from glutamic acid 428.
Molecular consequence: frameshift variant.
Genome position (GRCh38, 1-based): chr4:16,008,968, C duplicated on the plus strand (G on the coding strand, the reverse complement: PROM1 is on the minus strand); the first of 2 consecutive C bases (chr4:16,008,968-16,008,969); duplicating either gives the same sequence. VCF-style (leftmost placement, unchanged base first): chr4-16008967-T-TC. GRCh37 (hg19) VCF-style: chr4-16010590-T-TC.
Other names: c.1255dup, p.Glu419fs (NM_001145847.2, NM_001145848.2, NM_001145851.2 and 4 more transcripts); c.1282dup, p.Glu428fs (NM_001145849.2, NM_001145850.2); short protein forms E419fs, E428fs.
Identifiers: ClinVar variation 1452506 (VCV001452506.6), dbSNP rs2149249120, ClinGen allele CA2573137630.